The following is an entry in ClinVar:

ClinVar aggregate classification (germline): Pathogenic/Likely pathogenic. Review status: criteria provided, multiple submitters, no conflicts (2 of 4 stars). 2 submissions from 2 submitters: Pathogenic (1); Likely pathogenic (1). Last evaluated 2020-06-26.

Conditions:
ADGRV1-related disorder. Also called: ADGRV1-related condition; ADGRV1-related disorders.
Rare genetic deafness. Identifiers: Orphanet 96210, MedGen C5680250.

Submissions (2):

Blueprint Genetics
Classification: Likely pathogenic for ADGRV1-related disorders. Last evaluated: 2020-06-26. Review status: criteria provided, single submitter. Criteria: ACMG Guidelines, 2015. Collection method: clinical testing. Allele origin: germline. Affected: yes. Observed: 2 variant alleles.

Laboratory for Molecular Medicine, Mass General Brigham Personalized Medicine
Classification: Pathogenic for Rare genetic deafness. Last evaluated: 2015-06-24. Review status: criteria provided, single submitter. Criteria: LMM Criteria. Collection method: clinical testing. Allele origin: germline. Observed: 1 variant allele.
Comment: The p.Leu568fs variant in GPR98 has not been previously reported in individuals with hearing loss and was absent from large population studies. This variant is predicted to cause a frameshift, which alters the protein?s amino acid sequence beginning at position 568 and leads to a premature termination codon 8 amino aci ds downstream. This alteration is then predicted to lead to a truncated or absen t protein. In summary, this variant meets our criteria to be classified as patho genic for Usher syndrome in an autosomal recessive manner, based on its predicted impact to the protein .

NM_032119.4(ADGRV1):c.1701del (p.Leu568fs)

Gene: ADGRV1 (adhesion G protein-coupled receptor V1; plus strand). Cytogenetic location: 5q14.3.
Variant type: Deletion.
Coding change: c.1701del on transcript NM_032119.4 (MANE Select); coding-DNA position 1701, one base deleted (C; older notation c.1701delC).
Protein change: p.Leu568fs; shifts the reading frame from leucine 568.
Molecular consequence: frameshift variant. On other transcripts: non-coding transcript variant (1).
Genome position (GRCh38, 1-based): chr5:90,629,401, C deleted; the last of 4 consecutive C bases (chr5:90,629,398-90,629,401); deleting any one gives the same sequence. VCF-style (leftmost placement, unchanged base first): chr5-90629397-AC-A. GRCh37 (hg19) VCF-style: chr5-89925214-AC-A.
Other names: short protein forms L568fs.
Identifiers: ClinVar variation 228352 (VCV000228352.5), dbSNP rs876657695, ClinGen allele CA10576661.